The following is an entry in ClinVar:

NM_001349.4(DARS1):c.1261A>G (p.Arg421Gly)

Gene: DARS1 (aspartyl-tRNA synthetase 1; minus strand). Cytogenetic location: 2q21.3.
Variant type: single nucleotide variant.
Coding change: c.1261A>G on transcript NM_001349.4 (MANE Select); coding-DNA position 1261, A replaced by G.
Protein change: p.Arg421Gly; replaces arginine 421 with glycine.
Molecular consequence: missense variant.
Genome position (GRCh38, 1-based): chr2:135,911,463, T>C on the plus strand (A>G on the coding strand, the complement: DARS1 is on the minus strand). VCF-style: chr2-135911463-T-C. GRCh37 (hg19) VCF-style: chr2-136669033-T-C.
Other names: c.961A>G, p.Arg321Gly (NM_001293312.1); short protein forms R321G, R421G.
Identifiers: ClinVar variation 1682547 (VCV001682547.6), dbSNP rs1558775639, ClinGen allele CA348607708.

ClinVar aggregate classification (germline): Uncertain significance (1 of 4 stars; one submission).

Allele frequency attached by ClinVar (database versions not stated): TOPMed below 0.00001.

Submission:

Labcorp Genetics (formerly Invitae), Labcorp
Classification: Uncertain significance. Last evaluated: 2022-03-04. Review status: criteria provided, single submitter. Criteria: Invitae Variant Classification Sherloc (09022015). Collection method: clinical testing. Allele origin: germline.
Comment: Algorithms developed to predict the effect of missense changes on protein structure and function (SIFT, PolyPhen-2, Align-GVGD) all suggest that this variant is likely to be disruptive. In summary, the available evidence is currently insufficient to determine the role of this variant in disease. Therefore, it has been classified as a Variant of Uncertain Significance. This missense change has been observed in individual(s) with clinical features of leukodystrophy (Invitae). This variant is not present in population databases (gnomAD no frequency). This sequence change replaces arginine, which is basic and polar, with glycine, which is neutral and non-polar, at codon 421 of the DARS protein (p.Arg421Gly).